The following is an entry in ClinVar:

NM_003079.5(SMARCE1):c.544T>C (p.Tyr182His)

Gene: SMARCE1 (SWI/SNF related BAF chromatin remodeling complex subunit E1; minus strand). Cytogenetic location: 17q21.2.
Variant type: single nucleotide variant.
Coding change: c.544T>C on transcript NM_003079.5 (MANE Select); coding-DNA position 544, T replaced by C.
Protein change: p.Tyr182His; replaces tyrosine 182 with histidine.
Molecular consequence: missense variant.
Genome position (GRCh38, 1-based): chr17:40,632,365, A>G on the plus strand (T>C on the coding strand, the complement: SMARCE1 is on the minus strand). VCF-style: chr17-40632365-A-G. GRCh37 (hg19) VCF-style: chr17-38788617-A-G.
Other names: short protein forms Y182H.
Identifiers: ClinVar variation 4685786 (VCV004685786.1).

ClinVar aggregate classification (germline): Uncertain significance (1 of 4 stars; one submission).

Submission:

ARUP Laboratories, Molecular Genetics and Genomics, ARUP Laboratories
Classification: Uncertain significance. Last evaluated: 2025-05-01. Review status: criteria provided, single submitter. Criteria: ARUP Molecular Germline Variant Investigation Process 2024. Collection method: clinical testing. Allele origin: germline.
Comment: The SMARCE1 c.544T>C; p.Tyr182His variant, to our knowledge, is not reported in the medical literature or gene specific databases. This variant is also absent from the Genome Aggregation Database (v2.1.1), indicating that it is not a common polymorphism. Computational analyses predict that this variant is neutral (REVEL: 0.105). Due to limited information, the clinical significance of this variant is uncertain at this time.